The following is an entry in ClinVar:

NM_004336.5(BUB1):c.7A>G (p.Thr3Ala)

Gene: BUB1 (BUB1 mitotic checkpoint serine/threonine kinase; minus strand). Cytogenetic location: 2q13.
Variant type: single nucleotide variant.
Coding change: c.7A>G on transcript NM_004336.5 (MANE Select); coding-DNA position 7, A replaced by G.
Protein change: p.Thr3Ala; replaces threonine 3 with alanine.
Molecular consequence: missense variant.
Genome position (GRCh38, 1-based): chr2:110,677,989, T>C on the plus strand (A>G on the coding strand, the complement: BUB1 is on the minus strand). VCF-style: chr2-110677989-T-C. GRCh37 (hg19) VCF-style: chr2-111435566-T-C.
Other names: c.7A>G, p.Thr3Ala (NM_001278616.2, NM_001278617.2); short protein forms T3A.
Identifiers: ClinVar variation 3631515 (VCV003631515.2).

ClinVar aggregate classification (germline): Uncertain significance (1 of 4 stars; one submission).

gnomAD v4.1: 8 of 1,608,354 alleles (0.0005%); highest among the groups gnomAD compares: East Asian, 0.018%; no homozygotes.

Submission:

Labcorp Genetics (formerly Invitae), Labcorp
Classification: Uncertain significance. Last evaluated: 2024-06-26. Review status: criteria provided, single submitter. Criteria: Invitae Variant Classification Sherloc (09022015). Collection method: clinical testing. Allele origin: germline.
Comment: This sequence change replaces threonine, which is neutral and polar, with alanine, which is neutral and non-polar, at codon 3 of the BUB1 protein (p.Thr3Ala). This variant is present in population databases (rs770025794, gnomAD 0.07%), and has an allele count higher than expected for a pathogenic variant. This variant has not been reported in the literature in individuals affected with BUB1-related conditions. Experimental studies and prediction algorithms are not available or were not evaluated, and the functional significance of this variant is currently unknown. In summary, the available evidence is currently insufficient to determine the role of this variant in disease. Therefore, it has been classified as a Variant of Uncertain Significance.